The following is an entry in ClinVar:

NM_020719.3(PRR12):c.807G>A (p.Ser269=)

Gene: PRR12 (proline rich 12; plus strand). Cytogenetic location: 19q13.33.
Variant type: single nucleotide variant.
Coding change: c.807G>A on transcript NM_020719.3 (MANE Select); coding-DNA position 807, G replaced by A.
Protein change: p.Ser269=; no amino-acid change (serine 269 retained).
Molecular consequence: synonymous variant.
Genome position (GRCh38, 1-based): chr19:49,595,142, G>A. VCF-style: chr19-49595142-G-A. GRCh37 (hg19) VCF-style: chr19-50098399-G-A.
Other names: NC_000019.9:g.50098399G>A.
Identifiers: ClinVar variation 2650253 (VCV002650253.25), dbSNP rs766447438, ClinGen allele CA9577749.

ClinVar aggregate classification (germline): Likely benign (1 of 4 stars; one submission).

Allele frequency attached by ClinVar (database versions not stated): ExAC 0.00010.
gnomAD v4.1: 299 of 1,611,494 alleles (0.019%); highest among the groups gnomAD compares: Non-Finnish European, 0.021%; 1 homozygote.

Submissions (2):

CeGaT Center for Human Genetics Tuebingen
Classification: Likely benign. Last evaluated: 2026-10-01. Review status: criteria provided, single submitter. Criteria: CeGaT Center For Human Genetics Tuebingen Variant Classification Criteria Version 2. Collection method: clinical testing. Allele origin: germline. Affected: yes. Observed: 2 variant alleles.
Comment: PRR12: BP4, BP7

Dr. Peter K. Rogan Lab, Western University
No classification provided (evidence only). Condition: Papillary renal cell carcinoma type 1. Review status: no classification provided. Collection method: in vitro. Allele origin: not applicable. Functional consequence: retained intron. Not counted in ClinVar's aggregate classification.